The following is an entry in ClinVar:

NM_003622.4(PPFIBP1):c.215G>T (p.Cys72Phe)

Gene: PPFIBP1 (PPFIB scaffold protein 1; plus strand). Cytogenetic location: 12p11.22.
Variant type: single nucleotide variant.
Coding change: c.215G>T on transcript NM_003622.4 (MANE Select); coding-DNA position 215, G replaced by T.
Protein change: p.Cys72Phe; replaces cysteine 72 with phenylalanine.
Molecular consequence: missense variant. On other transcripts: intron variant (1).
Genome position (GRCh38, 1-based): chr12:27,635,060, G>T. VCF-style: chr12-27635060-G-T. GRCh37 (hg19) VCF-style: chr12-27787993-G-T.
Other names: c.215G>T, p.Cys72Phe (NM_001198916.2, NM_177444.3); c.-189-11002G>T (NM_001198915.2); short protein forms C72F.
Identifiers: ClinVar variation 3217135 (VCV003217135.3), dbSNP rs775649853, ClinGen allele CA6492957.

ClinVar aggregate classification (germline): Uncertain significance. Review status: criteria provided, multiple submitters, no conflicts (2 of 4 stars). 2 submissions from 2 submitters: Uncertain significance (2). Last evaluated 2025-01-10.

Conditions:
PPFIBP1-related disorder. Also called: PPFIBP1-related condition.
Inborn genetic diseases. Identifiers: MedGen C0950123, MeSH D030342.

Allele frequency attached by ClinVar (database versions not stated): ExAC 0.00002; gnomAD exomes 0.00003; gnomAD 0.00009; TOPMed 0.00025.
gnomAD v4.1: 57 of 1,614,058 alleles (0.0035%); highest among the groups gnomAD compares: Admixed American, 0.03%; no homozygotes.

Submissions (2):

PreventionGenetics, part of Exact Sciences
Classification: Uncertain significance for PPFIBP1-related condition. Last evaluated: 2025-01-10. Review status: criteria provided, single submitter. Criteria: ACMG Guidelines, 2015. Collection method: clinical testing. Allele origin: germline.
Comment: The PPFIBP1 c.215G>T variant is predicted to result in the amino acid substitution p.Cys72Phe. To our knowledge, this variant has not been reported in the literature. This variant is reported in 0.0029% of alleles in individuals of Latino descent in gnomAD. At this time, the clinical significance of this variant is uncertain due to the absence of conclusive functional and genetic evidence.

Ambry Genetics
Classification: Uncertain significance for Inborn genetic diseases. Last evaluated: 2024-10-28. Review status: criteria provided, single submitter. Criteria: Ambry Variant Classification Scheme 2023. Collection method: clinical testing. Allele origin: germline.